The following is an entry in ClinVar:

NM_001267550.2(TTN):c.63304G>A (p.Glu21102Lys)

Genes: TTN (titin; minus strand), TTN-AS1 (TTN antisense RNA 1; plus strand). Cytogenetic location: 2q31.2.
Variant type: single nucleotide variant.
Coding change: c.63304G>A on transcript NM_001267550.2 (MANE Select); coding-DNA position 63304, G replaced by A.
Protein change: p.Glu21102Lys; replaces glutamic acid 21102 with lysine.
Molecular consequence: missense variant.
Genome position (GRCh38, 1-based): chr2:178,588,103, C>T on the plus strand (G>A on the coding strand, the complement: TTN is on the minus strand). VCF-style: chr2-178588103-C-T. GRCh37 (hg19) VCF-style: chr2-179452830-C-T.
Other names: c.58381G>A, p.Glu19461Lys (NM_001256850.1); c.36109G>A, p.Glu12037Lys (NM_003319.4); c.55600G>A, p.Glu18534Lys (NM_133378.4); c.36484G>A, p.Glu12162Lys (NM_133432.3); c.36685G>A, p.Glu12229Lys (NM_133437.4); short protein forms E12229K, E21102K, E18534K, E19461K, E12037K, E12162K.
Identifiers: ClinVar variation 1733226 (VCV001733226.2), dbSNP rs1343764526, ClinGen allele CA349454105.
Genomic context (GRCh38, chr2:178,588,103, plus strand): 5'-CAGCATTACACCGTTTCCAGCCTTCATCAGGAGACGCATCTGCTATTTTTGGTCTCATTT[C>T]CACAACATATCCAATGATCGGTGCACCACCATCATAGACTGGTTTTCCCCACCCAAGAGT-3'
Protein context (NP_001254479.2, residues 21092-21112): GGAPIIGYVV[Glu21102Lys]MRPKIADASP

ClinVar aggregate classification (germline): Uncertain significance (1 of 4 stars; one submission).

Conditions:
Cardiovascular phenotype. Identifiers: MedGen CN230736.

Allele frequency attached by ClinVar (database versions not stated): gnomAD exomes below 0.00001; gnomAD 0.00001; TOPMed 0.00001.
gnomAD v4.1: 5 of 1,612,790 alleles (0.00031%); highest among the groups gnomAD compares: African/African-American, 0.0013%; no homozygotes.

Submission:

Ambry Genetics
Classification: Uncertain significance for Cardiovascular phenotype. Last evaluated: 2019-09-13. Review status: criteria provided, single submitter. Criteria: Ambry Variant Classification Scheme 2023. Collection method: clinical testing. Allele origin: germline.
Comment: The p.E12037K variant (also known as c.36109G>A), located in coding exon 132 of the TTN gene, results from a G to A substitution at nucleotide position 36109. The glutamic acid at codon 12037 is replaced by lysine, an amino acid with similar properties. This amino acid position is well conserved in available vertebrate species. In addition, the in silico prediction for this alteration is inconclusive. Since supporting evidence is limited at this time, the clinical significance of this alteration remains unclear.